The following is an entry in ClinVar:

NM_020638.3(FGF23):c.691C>T (p.Arg231Ter)

Gene: FGF23 (fibroblast growth factor 23; minus strand). Cytogenetic location: 12p13.32.
Variant type: single nucleotide variant.
Coding change: c.691C>T on transcript NM_020638.3 (MANE Select); coding-DNA position 691, C replaced by T.
Protein change: p.Arg231Ter; replaces arginine 231 with a stop codon.
Molecular consequence: nonsense.
Genome position (GRCh38, 1-based): chr12:4,370,408, G>A on the plus strand (C>T on the coding strand, the complement: FGF23 is on the minus strand). VCF-style: chr12-4370408-G-A. GRCh37 (hg19) VCF-style: chr12-4479574-G-A.
Other names: short protein forms R231*.
Identifiers: ClinVar variation 1383032 (VCV001383032.6), dbSNP rs764061118, ClinGen allele CA383415751.

ClinVar aggregate classification (germline): Uncertain significance (1 of 4 stars; one submission).

gnomAD v4.1: 4 of 1,613,620 alleles (0.00025%); highest among the groups gnomAD compares: Non-Finnish European, 0.00034%; no homozygotes.

Submission:

Labcorp Genetics (formerly Invitae), Labcorp
Classification: Uncertain significance. Last evaluated: 2022-03-22. Review status: criteria provided, single submitter. Criteria: Invitae Variant Classification Sherloc (09022015). Collection method: clinical testing. Allele origin: germline.
Comment: This sequence change creates a premature translational stop signal (p.Arg231*) in the FGF23 gene. While this is not anticipated to result in nonsense mediated decay, it is expected to disrupt the last 21 amino acid(s) of the FGF23 protein. This variant is not present in population databases (gnomAD no frequency). This variant has not been reported in the literature in individuals affected with FGF23-related conditions. Experimental studies and prediction algorithms are not available or were not evaluated, and the functional significance of this variant is currently unknown. In summary, the available evidence is currently insufficient to determine the role of this variant in disease. Therefore, it has been classified as a Variant of Uncertain Significance.